The following is an entry in ClinVar:

NM_014889.4(PITRM1):c.2277A>G (p.Lys759=)

Genes: PITRM1 (pitrilysin metallopeptidase 1; minus strand), PITRM1-AS1 (PITRM1 antisense RNA 1; plus strand). Cytogenetic location: 10p15.2.
Variant type: single nucleotide variant.
Coding change: c.2277A>G on transcript NM_014889.4 (MANE Select); coding-DNA position 2277, A replaced by G.
Protein change: p.Lys759=; no amino-acid change (lysine 759 retained).
Molecular consequence: synonymous variant. On other transcripts: non-coding transcript variant (5).
Genome position (GRCh38, 1-based): chr10:3,147,209, T>C on the plus strand (A>G on the coding strand, the complement: PITRM1 is on the minus strand). VCF-style: chr10-3147209-T-C. GRCh37 (hg19) VCF-style: chr10-3189401-T-C.
Other names: c.2280A>G, p.Lys760= (NM_001242307.2); c.1983A>G, p.Lys661= (NM_001242309.1); c.2079A>G, p.Lys693= (NM_001347725.2); c.1464A>G, p.Lys488= (NM_001347726.2); c.1662A>G, p.Lys554= (NM_001347727.2); c.972A>G, p.Lys324= (NM_001347728.2); c.2253A>G, p.Lys751= (NM_001347729.1); c.2055A>G, p.Lys685= (NM_001347730.1).
Identifiers: ClinVar variation 2640280 (VCV002640280.24), dbSNP rs1840971812, ClinGen allele CA467975100.

ClinVar aggregate classification (germline): Likely benign (1 of 4 stars; one submission).

Allele frequency attached by ClinVar (database versions not stated): gnomAD exomes below 0.00001; TOPMed below 0.00001.
gnomAD v4.1: 6 of 1,612,946 alleles (0.00037%); highest among the groups gnomAD compares: Non-Finnish European, 0.00051%; no homozygotes.

Submission:

CeGaT Center for Human Genetics Tuebingen
Classification: Likely benign. Last evaluated: 2022-12-01. Review status: criteria provided, single submitter. Criteria: CeGaT Center For Human Genetics Tuebingen Variant Classification Criteria Version 2. Collection method: clinical testing. Allele origin: germline. Affected: yes. Observed: 1 variant allele.
Comment: PITRM1: PM2:Supporting, BP4, BP7